The following is an entry in ClinVar:

NM_001199799.2(ILDR1):c.1560C>A (p.Gly520=)

Gene: ILDR1 (immunoglobulin like domain containing receptor 1; minus strand). Cytogenetic location: 3q13.33.
Variant type: single nucleotide variant.
Coding change: c.1560C>A on transcript NM_001199799.2 (MANE Select); coding-DNA position 1560, C replaced by A.
Protein change: p.Gly520=; no amino-acid change (glycine 520 retained).
Molecular consequence: synonymous variant.
Genome position (GRCh38, 1-based): chr3:121,993,189, G>T on the plus strand (C>A on the coding strand, the complement: ILDR1 is on the minus strand). VCF-style: chr3-121993189-G-T. GRCh37 (hg19) VCF-style: chr3-121712036-G-T.
Other names: c.1293C>A, p.Gly431= (NM_001199800.2); c.1428C>A, p.Gly476= (NM_175924.4).
Identifiers: ClinVar variation 452276 (VCV000452276.18), dbSNP rs369318229, ClinGen allele CA2568626.

ClinVar aggregate classification (germline): Conflicting classifications of pathogenicity. Review status: criteria provided, conflicting classifications (1 of 4 stars). 3 submissions from 3 submitters: Uncertain significance (1); Likely benign (2). Last evaluated 2025-08-21.

Allele frequency attached by ClinVar (database versions not stated): gnomAD 0.00001; gnomAD exomes 0.00001 and 0.00006; TOPMed 0.00003; ExAC 0.00005.
gnomAD v4.1: 44 of 1,612,616 alleles (0.0027%); highest among the groups gnomAD compares: East Asian, 0.02%; no homozygotes.

Submissions (3):

Labcorp Genetics (formerly Invitae), Labcorp
Classification: Likely benign. Last evaluated: 2025-08-21. Review status: criteria provided, single submitter. Criteria: Invitae Variant Classification Sherloc (09022015). Collection method: clinical testing. Allele origin: germline.

GeneDx
Classification: Uncertain significance. Last evaluated: 2024-07-09. Review status: criteria provided, single submitter. Criteria: GeneDx Variant Classification Process June 2021. Collection method: clinical testing. Allele origin: germline. Affected: yes.
Comment: Has been observed multiple times in cis with p.(P509L) in patients with hearing loss referred to GeneDx for genetic testing; In silico analysis is inconclusive as to whether the variant alters gene splicing. In the absence of RNA/functional studies, the actual effect of this sequence change is unknown.; Has not been previously published as pathogenic or benign to our knowledge

Laboratory for Molecular Medicine, Mass General Brigham Personalized Medicine
Classification: Likely benign. Last evaluated: 2017-08-23. Review status: criteria provided, single submitter. Criteria: LMM Criteria. Collection method: clinical testing. Allele origin: germline. Observed: 1 variant allele.
Comment: p.Gly520Gly in exon 7 of ILDR1: This variant is not expected to have clinical significance because it does not alter an amino acid residue and is not located within the splice consensus sequence. It has been identified in 0.07% (4/5800) of East Asian chromosomes by the Exome Aggregation Consortium (ExAC; dbSNP rs369318229).